The following is an entry in ClinVar:

ClinVar aggregate classification (germline): Uncertain significance (1 of 4 stars; one submission).

Conditions:
Noonan syndrome 9 (NS9). Identifiers: Orphanet 648, MedGen C4225282, MONDO:0014691, OMIM 616559.

Submission:

Labcorp Genetics (formerly Invitae), Labcorp
Classification: Uncertain significance for Noonan syndrome 9. Last evaluated: 2022-05-01. Review status: criteria provided, single submitter. Criteria: Invitae Variant Classification Sherloc (09022015). Collection method: clinical testing. Allele origin: germline.
Comment: In summary, the available evidence is currently insufficient to determine the role of this variant in disease. Therefore, it has been classified as a Variant of Uncertain Significance. Advanced modeling of protein sequence and biophysical properties (such as structural, functional, and spatial information, amino acid conservation, physicochemical variation, residue mobility, and thermodynamic stability) performed at Invitae indicates that this missense variant is not expected to disrupt SOS2 protein function. This variant has not been reported in the literature in individuals affected with SOS2-related conditions. This variant is not present in population databases (gnomAD no frequency). This sequence change replaces leucine, which is neutral and non-polar, with valine, which is neutral and non-polar, at codon 1234 of the SOS2 protein (p.Leu1234Val).

NM_006939.4(SOS2):c.3700C>G (p.Leu1234Val)

Gene: SOS2 (SOS Ras/Rho guanine nucleotide exchange factor 2; minus strand). Cytogenetic location: 14q21.3.
Variant type: single nucleotide variant.
Coding change: c.3700C>G on transcript NM_006939.4 (MANE Select); coding-DNA position 3700, C replaced by G.
Protein change: p.Leu1234Val; replaces leucine 1234 with valine.
Molecular consequence: missense variant.
Genome position (GRCh38, 1-based): chr14:50,118,643, G>C on the plus strand (C>G on the coding strand, the complement: SOS2 is on the minus strand). VCF-style: chr14-50118643-G-C. GRCh37 (hg19) VCF-style: chr14-50585361-G-C.
Other names: c.3601C>G, p.Leu1201Val (NM_001411020.1); short protein forms L1201V, L1234V.
Identifiers: ClinVar variation 2085469 (VCV002085469.4), dbSNP rs2502757335, ClinGen allele CA389638183.
Genomic context (GRCh38, chr14:50,118,643, plus strand): 5'-TACTAATGTCTCTGAGCCAGTCTGAATCTCTGTGAAGATGCCCCAGTGGAGGTGGCTGAA[G>C]ATTAAATGGACAGTTTATAAAGTGTTCTGGAGGCCGAAGGGGAACTGGTGGAGGGGTATC-3'
Protein context (NP_008870.2, residues 1224-1244): PEHFINCPFN[Leu1234Val]QPPPLGHLHR